The following is an entry in ClinVar:

NC_000007.13:g.(117246808_117250572)_(117251863_117254666)del

Gene: CFTR (CF transmembrane conductance regulator; plus strand). Cytogenetic location: 7q31.2.
Variant type: Deletion.
Identifiers: ClinVar variation 2637836 (VCV002637836.1).

ClinVar aggregate classification (germline): Pathogenic (1 of 4 stars; one submission).

Conditions:
Cystic fibrosis (CF). Also called: MUCOVISCIDOSIS. Identifiers: Orphanet 586, MedGen C0010674, MONDO:0009061, OMIM 219700. Disease mechanism: loss of function.

Submission:

Women's Health and Genetics/Laboratory Corporation of America, LabCorp
Classification: Pathogenic for Cystic fibrosis. Last evaluated: 2023-10-20. Review status: criteria provided, single submitter. Criteria: LabCorp Variant Classification Summary - May 2015. Collection method: clinical testing. Allele origin: germline.
Comment: Variant summary: The variant identified by MLPA or other technology involves the deletion of exons 19-20 in the CFTR gene. A presumed nomenclature of c.(2988+1_2989-1)_(3367+1_3368-1)del has been designated for the purposes of this classification. Although exact breakpoints of this deletion are not known, it is expected to result in a frameshift in the CFTR gene, a known mechanism of disease. The variant was absent in 21694 control chromosomes (gnomAD, Structural Variants dataset). To our knowledge, c.(2988+1_2989-1)_(3367+1_3368-1)del has been not reported in the literature in individuals affected with Cystic Fibrosis. The following publication has been ascertained in the context of this evaluation (PMID: 31036917). Two submitters have cited clinical-significance assessments for this variant to ClinVar after 2014. All submitters classified the variant as pathogenic. Based on the evidence outlined above, the variant was classified as pathogenic.

Literature cited by the submitters: PubMed 31036917.